The following is an entry in ClinVar:

ClinVar aggregate classification (germline): Conflicting classifications of pathogenicity. Review status: criteria provided, conflicting classifications (1 of 4 stars). 10 submissions from 10 submitters: Uncertain significance (5); Likely benign (3). 2 of the submissions do not count toward it. Last evaluated 2026-01-21.

Conditions:
Nemaline myopathy 2 (NEM2). Also called: Nemaline myopathy 2, autosomal recessive. Identifiers: MedGen C1850569, MONDO:0009725, OMIM 256030.
NEB-related disorder. Also called: NEB-related condition; NEB-Related Disorders.

Allele frequency attached by ClinVar (database versions not stated): gnomAD 0.00009; gnomAD exomes 0.00012 and 0.00015; ExAC 0.00014; TOPMed 0.00014; ESP Exome Variant Server 0.00016.
gnomAD v4.1: 237 of 1,613,694 alleles (0.015%); highest among the groups gnomAD compares: Middle Eastern, 1%; 3 homozygotes.

Submissions (10):

Labcorp Genetics (formerly Invitae), Labcorp
Classification: Likely benign for Nemaline myopathy 2. Last evaluated: 2026-01-21. Review status: criteria provided, single submitter. Criteria: Invitae Variant Classification Sherloc (09022015). Collection method: clinical testing. Allele origin: germline.

Women's Health and Genetics/Laboratory Corporation of America, LabCorp
Classification: Likely benign. Last evaluated: 2026-01-13. Review status: criteria provided, single submitter. Criteria: LabCorp Variant Classification Summary - May 2015. Collection method: clinical testing. Allele origin: germline.
Comment: Variant summary: NEB c.194C>T (p.Pro65Leu) results in a non-conservative amino acid change in the encoded protein sequence. Algorithms developed to predict the effect of missense changes on protein structure and function are either unavailable or do not agree on the potential impact of this missense change. The variant allele was found at a frequency of 0.00015 in 1613694 control chromosomes in the gnomAD database, including 3 homozygotes. This frequency is not significantly higher than estimated for disease-causing variants in NEB, however, the presence of homozygous individuals is suggestive of a benign role. c.194C>T has been observed in individual(s) affected with Myopathy (Zenagui_2018, Morales_2021) without strong evidence for causality. These report(s) do not provide unequivocal conclusions about association of the variant with Nemaline Myopathy 2. To our knowledge, no experimental evidence demonstrating an impact on protein function has been reported. The following publications have been ascertained in the context of this evaluation (PMID: 34440373, 29792937). ClinVar contains an entry for this variant (Variation ID: 229041). Based on the evidence outlined above, the variant was classified as likely benign.

Blueprint Genetics
Classification: Uncertain significance. Last evaluated: 2024-08-22. Review status: criteria provided, single submitter. Criteria: ACMG Guidelines, 2015. Collection method: clinical testing. Allele origin: germline.

Revvity Omics, Revvity
Classification: Uncertain significance. Last evaluated: 2023-01-17. Review status: criteria provided, single submitter. Criteria: ACMG Guidelines, 2015. Collection method: clinical testing. Allele origin: germline.

Genome-Nilou Lab
Classification: Uncertain significance for Nemaline myopathy 2. Last evaluated: 2021-05-18. Review status: criteria provided, single submitter. Criteria: ACMG Guidelines, 2015. Collection method: clinical testing. Allele origin: germline. Affected: no.

GeneDx
Classification: Likely benign. Last evaluated: 2018-02-28. Review status: criteria provided, single submitter. Criteria: GeneDx Variant Classification (06012015). Collection method: clinical testing. Allele origin: germline. Affected: yes.
Comment: This variant is considered likely benign or benign based on one or more of the following criteria: it is a conservative change, it occurs at a poorly conserved position in the protein, it is predicted to be benign by multiple in silico algorithms, and/or has population frequency not consistent with disease.

Illumina Laboratory Services, Illumina
Classification: Uncertain significance for Nemaline myopathy 2. Last evaluated: 2018-01-12. Review status: criteria provided, single submitter. Criteria: ICSL Variant Classification Criteria 13 December 2019. Collection method: clinical testing. Allele origin: germline.

Laboratory for Molecular Medicine, Mass General Brigham Personalized Medicine
Classification: Uncertain significance. Last evaluated: 2016-03-03. Review status: criteria provided, single submitter. Criteria: LMM Criteria. Collection method: clinical testing. Allele origin: germline. Observed: 1 variant allele.
Comment: The p.Pro65Leu variant in NEB has not been previously reported in individuals wi th myopathy, but has been identified in 12/66624 European chromosomes by the Exo me Aggregation Consortium (ExAC; dbSNP rs3759090 06). Computational prediction tools and conservation analysis do not provide str ong support for or against an impact to the protein. In summary, the clinical si gnificance of the p.Pro65Leu is uncertain.

PreventionGenetics, part of Exact Sciences
Classification: Uncertain significance for NEB-related condition. Last evaluated: 2024-06-12. Review status: no assertion criteria provided. Collection method: clinical testing. Allele origin: germline. Not counted in ClinVar's aggregate classification.
Comment: The NEB c.194C>T variant is predicted to result in the amino acid substitution p.Pro65Leu. This variant was reported in a cohort study of individuals with neuromuscular disorders (Zenagui et al 2018. PubMed ID: 29792937). This variant was also reported with a second NEB variant in an individual with a milder adult-onset myopathy (Juntas Morales R et al 2021. PubMed ID: 34440373). This variant is reported in 0.018% of alleles in individuals of European (non-Finnish) descent in gnomAD. At this time, the clinical significance of this variant is uncertain due to the absence of conclusive functional and genetic evidence.

Counsyl
Classification: Uncertain significance for Nemaline myopathy 2. Last evaluated: 2017-01-06. Review status: no assertion criteria provided. Collection method: clinical testing. Allele origin: unknown. Not counted in ClinVar's aggregate classification.

Literature cited by the submitters: PubMed 29792937 (cited by Women's Health and Genetics/Laboratory Corporation of America, LabCorp); PubMed 34440373 (cited by Women's Health and Genetics/Laboratory Corporation of America, LabCorp); PubMed 19232495 (cited by Laboratory for Molecular Medicine, Mass General Brigham Personalized Medicine).

NM_001164508.2(NEB):c.194C>T (p.Pro65Leu)

Gene: NEB (nebulin; minus strand). Cytogenetic location: 2q23.3.
Variant type: single nucleotide variant.
Coding change: c.194C>T on transcript NM_001164508.2 (MANE Select); coding-DNA position 194, C replaced by T.
Protein change: p.Pro65Leu; replaces proline 65 with leucine.
Molecular consequence: missense variant.
Genome position (GRCh38, 1-based): chr2:151,727,791, G>A on the plus strand (C>T on the coding strand, the complement: NEB is on the minus strand). VCF-style: chr2-151727791-G-A. GRCh37 (hg19) VCF-style: chr2-152584305-G-A.
Other names: c.194C>T, p.Pro65Leu (NM_001164507.2, NM_001271208.2, NM_004543.5); short protein forms P65L.
Identifiers: ClinVar variation 229041 (VCV000229041.28), dbSNP rs375909006, ClinGen allele CA1911976.
Genomic context (GRCh38, chr2:151,727,791, plus strand): 5'-TAGGGGGTCATGAACTTTGAAGGATCCACTTTCTTCCGGATGACCTTCCTCCTCTCCACC[G>A]GCTTTGCTGATGCTGGCTGTGCCAGTGCTGGCTGTGCCAGAGCTGGTTTGGAAGTTTCTG-3'
Protein context (NP_001157980.2, residues 55-75): PALAQPASAK[Pro65Leu]VERRKVIRKK